The following is an entry in ClinVar:

ClinVar aggregate classification (germline): Pathogenic. Review status: criteria provided, multiple submitters, no conflicts (2 of 4 stars). 3 submissions from 3 submitters: Pathogenic (3). Last evaluated 2024-11-25.

Conditions:
Hereditary cancer-predisposing syndrome. Also called: Hereditary Cancer Syndrome; Hereditary neoplastic syndrome; Tumor predisposition; Neoplastic Syndromes, Hereditary. Identifiers: Orphanet 140162, MedGen C0027672, MeSH D009386, MONDO:0015356.
Hereditary breast ovarian cancer syndrome. Also called: Hereditary breast and ovarian cancer syndrome (HBOC); Hereditary breast and ovarian cancer; BRCA1- and BRCA2-Associated Hereditary Breast and Ovarian Cancer; Breast and ovarian cancer; Hereditary breast and ovarian cancer syndrome; Hereditary breast and/or ovarian cancer syndrome. Identifiers: Orphanet 145, MedGen C0677776, MeSH D061325, MONDO:0003582. Disease mechanism: loss of function.

Allele frequency attached by ClinVar (database versions not stated): gnomAD exomes below 0.00001.
gnomAD v4.1: 1 of 1,613,908 alleles (0.000062%); highest among the groups gnomAD compares: Non-Finnish European, 0.000085%; no homozygotes.

Submissions (3):

Breast Care Center, Daerim St. Mary`s Hospital
Classification: Pathogenic for Hereditary breast and ovarian cancer syndrome. Last evaluated: 2024-11-25. Review status: criteria provided, single submitter. Criteria: ACMG Guidelines, 2015. Collection method: clinical testing. Allele origin: germline. Inheritance: Autosomal dominant inheritance. Affected: yes. Observed: 1 heterozygote.
Comment: This nonsense variant is located in coding exon 10 of the BRCA1 gene and is predicted to cause NMD (nonsense-mediated mRNA decay). Loss-of-function is a well-established mechanism of disease. This variant is not found in the gnomAD genomes or exomes database. Multiple computational prediction tools consistently support a deleterious effect on gene function. Additionally, this variant has been reported in breast and ovarian cancer patients (PMID: 33850850). Based on the available evidence, this variant is classified as pathogenic.

Women's Health and Genetics/Laboratory Corporation of America, LabCorp
Classification: Pathogenic for Hereditary breast ovarian cancer syndrome. Last evaluated: 2022-12-19. Review status: criteria provided, single submitter. Criteria: LabCorp Variant Classification Summary - May 2015. Collection method: clinical testing. Allele origin: germline.
Comment: Variant summary: BRCA1 c.2341G>T (p.Glu781X) results in a premature termination codon, predicted to cause a truncation of the encoded protein or absence of the protein due to nonsense mediated decay, which are commonly known mechanisms for disease. Truncations downstream of this position have been classified as pathogenic by our laboratory. The variant was absent in 250746 control chromosomes (gnomAD). c.2341G>T has been reported in the literature in individuals affected with Breast cancer (e.g. Zheng_2018, Bang_2022, Zong_2022) and Ovarian cancer (Ji_2021). These data indicate that the variant is likely to be associated with disease. To our knowledge, no experimental evidence demonstrating an impact on protein function has been reported. One ClinVar submitter has assessed the variant since 2014: the variant was classified as pathogenic. Based on the evidence outlined above, the variant was classified as pathogenic.

Ambry Genetics
Classification: Pathogenic for Hereditary cancer-predisposing syndrome. Last evaluated: 2022-10-11. Review status: criteria provided, single submitter. Criteria: Ambry Variant Classification Scheme 2023. Collection method: clinical testing. Allele origin: germline.
Comment: The p.E781* pathogenic mutation (also known as c.2341G>T), located in coding exon 9 of the BRCA1 gene, results from a G to T substitution at nucleotide position 2341. This changes the amino acid from a glutamic acid to a stop codon within coding exon 9. This alteration has be identified in multiple breast and/or ovarian cancer patient cohorts (Ji G et al. Ann Transl Med, 2021 Mar;9:453; Bang YJ et al. Cancer Res Treat, 2022 Jul;54:827-833; Zong H et al. J Cancer, 2022 Jan;13:1119-1129). This variant is considered to be rare based on population cohorts in the Genome Aggregation Database (gnomAD). In addition to the clinical data presented in the literature, this alteration is expected to result in loss of function by premature protein truncation or nonsense-mediated mRNA decay. As such, this alteration is interpreted as a disease-causing mutation.

Literature cited by the submitters: PubMed 30130155 (cited by Women's Health and Genetics/Laboratory Corporation of America, LabCorp); PubMed 34645131 (cited by Women's Health and Genetics/Laboratory Corporation of America, LabCorp and Ambry Genetics); PubMed 33850850 (cited by Women's Health and Genetics/Laboratory Corporation of America, LabCorp and Ambry Genetics); PubMed 35281878 (cited by Women's Health and Genetics/Laboratory Corporation of America, LabCorp and Ambry Genetics).

NM_007294.4(BRCA1):c.2341G>T (p.Glu781Ter)

Gene: BRCA1 (BRCA1 DNA repair associated; minus strand). Cytogenetic location: 17q21.31.
Variant type: single nucleotide variant.
Coding change: c.2341G>T on transcript NM_007294.4 (MANE Select); coding-DNA position 2341, G replaced by T.
Protein change: p.Glu781Ter; replaces glutamic acid 781 with a stop codon.
Molecular consequence: nonsense. On other transcripts: intron variant (137).
Genome position (GRCh38, 1-based): chr17:43,093,190, C>A on the plus strand (G>T on the coding strand, the complement: BRCA1 is on the minus strand). VCF-style: chr17-43093190-C-A. GRCh37 (hg19) VCF-style: chr17-41245207-C-A.
Other names: c.461-2158G>T (NM_001408507.1, NM_001408506.1); c.545-2158G>T (NM_001408495.1); c.706+1554G>T (NM_001408413.1, NM_001408416.1); c.586+1554G>T (NM_001408476.1, NM_001408474.1); c.668-2158G>T (NM_001408421.1, NM_001408431.1, NM_001408424.1); c.784+1554G>T (NM_001407991.1, NM_001408397.1, NM_001408401.1 and 13 more transcripts); c.661+1554G>T (NM_001408448.1, NM_001408446.1, NM_001408435.1 and 6 more transcripts); c.664+1554G>T (NM_001408427.1, NM_001408436.1, NM_001408444.1 and 12 more transcripts); and 41 more; short protein forms E613*, E654*, E714*, E781*, E670*, E692*, E739*, E740*.
Identifiers: ClinVar variation 1789877 (VCV001789877.4), dbSNP rs757933953, ClinGen allele CA10597324.